The following is an entry in ClinVar:

NM_002880.4(RAF1):c.142C>G (p.Leu48Val)

Gene: RAF1 (Raf-1 proto-oncogene, serine/threonine kinase; minus strand). Cytogenetic location: 3p25.2.
Variant type: single nucleotide variant.
Coding change: c.142C>G on transcript NM_002880.4 (MANE Select); coding-DNA position 142, C replaced by G.
Protein change: p.Leu48Val; replaces leucine 48 with valine.
Molecular consequence: missense variant. On other transcripts: non-coding transcript variant (3).
Genome position (GRCh38, 1-based): chr3:12,618,580, G>C on the plus strand (C>G on the coding strand, the complement: RAF1 is on the minus strand). VCF-style: chr3-12618580-G-C. GRCh37 (hg19) VCF-style: chr3-12660079-G-C.
Other names: c.142C>G, p.Leu48Val (NM_001354689.3, NM_001354690.3, NM_001354693.3); c.12C>G, p.Asn4Lys (NM_001354691.3, NM_001354692.3, NM_001354694.3 and 1 more transcripts); short protein forms L48V, N4K.
Identifiers: ClinVar variation 264142 (VCV000264142.5), dbSNP rs752967378, ClinGen allele CA10587562.

ClinVar aggregate classification (germline): Uncertain significance (1 of 4 stars; one submission).

Conditions:
Cardiovascular phenotype. Identifiers: MedGen CN230736.

gnomAD v4.1: 2 of 1,614,168 alleles (0.00012%); highest among the groups gnomAD compares: African/African-American, 0.0027%; no homozygotes.

Submission:

Ambry Genetics
Classification: Uncertain significance for Cardiovascular phenotype. Last evaluated: 2015-06-25. Review status: criteria provided, single submitter. Criteria: Ambry Variant Classification Scheme 2023. Collection method: clinical testing. Allele origin: germline.
Comment: The p.L48V variant (also known as c.142C>G), located in coding exon 1 of the RAF1 gene, results from a C to G substitution at nucleotide position 142. The leucine at codon 48 is replaced by valine, an amino acid with highly similar properties. This variant was not reported in population based cohorts in the following databases: Database of Single Nucleotide Polymorphisms (dbSNP), NHLBI Exome Sequencing Project (ESP), and 1000 Genomes Project. In the ESP, this variant was not observed in 6503 samples (13006 alleles) with coverage at this position. This amino acid position is highly conserved in mammals but not in all available vertebrate species. In addition, this alteration is predicted to be tolerated by in silico analysis. Since supporting evidence is limited at this time, the clinical significance of this variant remains unclear.